The following is an entry in ClinVar:

ClinVar aggregate classification (germline): Uncertain significance (1 of 4 stars; one submission).

Conditions:
Leber congenital amaurosis 13 (LCA13). Identifiers: MedGen C2675186, MONDO:0012990, OMIM 612712.

Submission:

Labcorp Genetics (formerly Invitae), Labcorp
Classification: Uncertain significance for Leber congenital amaurosis 13. Last evaluated: 2023-10-16. Review status: criteria provided, single submitter. Criteria: Invitae Variant Classification Sherloc (09022015). Collection method: clinical testing. Allele origin: unknown.
Comment: This variant results in a copy number gain of the genomic region encompassing exon(s) 3-8 of the RDH12 gene. This region includes the initiator codon of the gene. This copy number gain extends beyond the assayed region for this gene and therefore may encompass additional genes. As the precise location of this event is unknown, it may be in tandem or it may be located elsewhere in the genome. This variant has not been reported in the literature in individuals affected with RDH12-related conditions. In summary, the available evidence is currently insufficient to determine the role of this variant in disease. Therefore, it has been classified as a Variant of Uncertain Significance.

NC_000014.8:g.(?_68189360)_(68196117_?)dup

Gene: RDH12 (retinol dehydrogenase 12; plus strand). Cytogenetic location: 14q24.1.
Variant type: Duplication.
Identifiers: ClinVar variation 3244004 (VCV003244004.1).